The following is an entry in ClinVar:

ClinVar aggregate classification (germline): Uncertain significance (1 of 4 stars; one submission).

gnomAD v4.1: 9 of 1,614,148 alleles (0.00056%); highest among the groups gnomAD compares: Non-Finnish European, 0.00076%; no homozygotes.

Submission:

Labcorp Genetics (formerly Invitae), Labcorp
Classification: Uncertain significance. Last evaluated: 2025-10-19. Review status: criteria provided, single submitter. Criteria: Invitae Variant Classification Sherloc (09022015). Collection method: clinical testing. Allele origin: germline.
Comment: This sequence change replaces aspartic acid, which is acidic and polar, with glycine, which is neutral and non-polar, at codon 381 of the MAP3K8 protein (p.Asp381Gly). This variant is present in population databases (no rsID available, gnomAD 0.0009%). This variant has not been reported in the literature in individuals affected with MAP3K8-related conditions. An algorithm developed to predict the effect of missense changes on protein structure and function (PolyPhen-2) suggests that this variant is likely to be disruptive. In summary, the available evidence is currently insufficient to determine the role of this variant in disease. Therefore, it has been classified as a Variant of Uncertain Significance.

NM_005204.4(MAP3K8):c.1142A>G (p.Asp381Gly)

Gene: MAP3K8 (mitogen-activated protein kinase kinase kinase 8; plus strand). Cytogenetic location: 10p11.23.
Variant type: single nucleotide variant.
Coding change: c.1142A>G on transcript NM_005204.4 (MANE Select); coding-DNA position 1142, A replaced by G.
Protein change: p.Asp381Gly; replaces aspartic acid 381 with glycine.
Molecular consequence: missense variant.
Genome position (GRCh38, 1-based): chr10:30,459,370, A>G. VCF-style: chr10-30459370-A-G. GRCh37 (hg19) VCF-style: chr10-30748299-A-G.
Other names: c.1142A>G, p.Asp381Gly (NM_001244134.1, NM_001320961.2); short protein forms D381G.
Identifiers: ClinVar variation 4778027 (VCV004778027.1).